The following is an entry in ClinVar:

ClinVar aggregate classification (germline): Likely pathogenic (1 of 4 stars; one submission).

Submission:

GeneDx
Classification: Likely pathogenic. Last evaluated: 2020-08-12. Review status: criteria provided, single submitter. Criteria: GeneDx Variant Classification Process June 2021. Collection method: clinical testing. Allele origin: germline. Affected: yes.
Comment: Canonical splice site variant predicted to result in an in-frame deletion of a critical region; Not observed in large population cohorts (Lek et al., 2016); This variant is associated with the following publications: (PMID: 29655203)

NM_002693.3(POLG):c.2982-1G>C

Genes: POLG (DNA polymerase gamma, catalytic subunit; minus strand), POLGARF (POLG alternative reading frame; minus strand). Cytogenetic location: 15q26.1.
Variant type: single nucleotide variant.
Coding change: c.2982-1G>C on transcript NM_002693.3 (MANE Select); the canonical splice acceptor site of the intron before coding-DNA position 2982, G replaced by C.
Molecular consequence: splice acceptor variant.
Genome position (GRCh38, 1-based): chr15:89,319,351, C>G on the plus strand (G>C on the coding strand, the complement: POLG is on the minus strand). VCF-style: chr15-89319351-C-G. GRCh37 (hg19) VCF-style: chr15-89862582-C-G.
Other names: c.2982-1G>C (NM_001126131.2).
Identifiers: ClinVar variation 418876 (VCV000418876.4), dbSNP rs1064793493, ClinGen allele CA16620021.